The following is an entry in ClinVar:

ClinVar aggregate classification (germline): Uncertain significance (1 of 4 stars; one submission).

Conditions:
Inborn genetic diseases. Identifiers: MedGen C0950123, MeSH D030342.

Submission:

Ambry Genetics
Classification: Uncertain significance for Inborn genetic diseases. Last evaluated: 2023-05-14. Review status: criteria provided, single submitter. Criteria: Ambry Variant Classification Scheme 2023. Collection method: clinical testing. Allele origin: germline.
Comment: The p.E2230V variant (also known as c.6689A>T), located in coding exon 45 of the LRRK2 gene, results from an A to T substitution at nucleotide position 6689. The glutamic acid at codon 2230 is replaced by valine, an amino acid with dissimilar properties. This amino acid position is conserved. In addition, this alteration is predicted to be tolerated by in silico analysis. Since supporting evidence is limited at this time, the clinical significance of this alteration remains unclear.

NM_198578.4(LRRK2):c.6689A>T (p.Glu2230Val)

Gene: LRRK2 (leucine rich repeat kinase 2; plus strand). Cytogenetic location: 12q12.
Variant type: single nucleotide variant.
Coding change: c.6689A>T on transcript NM_198578.4 (MANE Select); coding-DNA position 6689, A replaced by T.
Protein change: p.Glu2230Val; replaces glutamic acid 2230 with valine.
Molecular consequence: missense variant.
Genome position (GRCh38, 1-based): chr12:40,354,411, A>T. VCF-style: chr12-40354411-A-T. GRCh37 (hg19) VCF-style: chr12-40748213-A-T.
Other names: short protein forms E2230V.
Identifiers: ClinVar variation 2562433 (VCV002562433.2), dbSNP rs2499993684, ClinGen allele CA384409304.